The following is an entry in ClinVar:

NM_033100.4(CDHR1):c.181G>C (p.Asp61His)

Gene: CDHR1 (cadherin related family member 1; plus strand). Cytogenetic location: 10q23.1.
Variant type: single nucleotide variant.
Coding change: c.181G>C on transcript NM_033100.4 (MANE Select); coding-DNA position 181, G replaced by C.
Protein change: p.Asp61His; replaces aspartic acid 61 with histidine.
Molecular consequence: missense variant.
Genome position (GRCh38, 1-based): chr10:84,196,534, G>C. VCF-style: chr10-84196534-G-C. GRCh37 (hg19) VCF-style: chr10-85956290-G-C.
Other names: c.181G>C, p.Asp61His (NM_001171971.3); short protein forms D61H.
Identifiers: ClinVar variation 1507567 (VCV001507567.6), dbSNP rs1235603542, ClinGen allele CA377370241.

ClinVar aggregate classification (germline): Uncertain significance (1 of 4 stars; one submission).

Allele frequency attached by ClinVar (database versions not stated): gnomAD exomes below 0.00001.
gnomAD v4.1: 1 of 1,614,224 alleles (0.000062%); highest among the groups gnomAD compares: East Asian, 0.0022%; no homozygotes.

Submission:

Labcorp Genetics (formerly Invitae), Labcorp
Classification: Uncertain significance. Last evaluated: 2022-07-18. Review status: criteria provided, single submitter. Criteria: Invitae Variant Classification Sherloc (09022015). Collection method: clinical testing. Allele origin: germline.
Comment: In summary, the available evidence is currently insufficient to determine the role of this variant in disease. Therefore, it has been classified as a Variant of Uncertain Significance. Advanced modeling of protein sequence and biophysical properties (such as structural, functional, and spatial information, amino acid conservation, physicochemical variation, residue mobility, and thermodynamic stability) performed at Invitae indicates that this missense variant is expected to disrupt CDHR1 protein function. ClinVar contains an entry for this variant (Variation ID: 1507567). This variant has not been reported in the literature in individuals affected with CDHR1-related conditions. This variant is present in population databases (no rsID available, gnomAD 0.006%). This sequence change replaces aspartic acid, which is acidic and polar, with histidine, which is basic and polar, at codon 61 of the CDHR1 protein (p.Asp61His).